The following is an entry in ClinVar:

ClinVar aggregate classification (germline): Uncertain significance (1 of 4 stars; one submission).

Allele frequency attached by ClinVar (database versions not stated): TOPMed below 0.00001; gnomAD 0.00001; gnomAD exomes 0.00001 and 0.00002; ExAC 0.00002.
gnomAD v4.1: 9 of 1,614,092 alleles (0.00056%); highest among the groups gnomAD compares: Middle Eastern, 0.016%; no homozygotes.

Submission:

Labcorp Genetics (formerly Invitae), Labcorp
Classification: Uncertain significance. Last evaluated: 2024-10-25. Review status: criteria provided, single submitter. Criteria: Invitae Variant Classification Sherloc (09022015). Collection method: clinical testing. Allele origin: germline.
Comment: This sequence change replaces aspartic acid, which is acidic and polar, with tyrosine, which is neutral and polar, at codon 921 of the MERTK protein (p.Asp921Tyr). This variant is present in population databases (rs768469451, gnomAD 0.004%). This variant has not been reported in the literature in individuals affected with MERTK-related conditions. ClinVar contains an entry for this variant (Variation ID: 1040728). Invitae Evidence Modeling of protein sequence and biophysical properties (such as structural, functional, and spatial information, amino acid conservation, physicochemical variation, residue mobility, and thermodynamic stability) indicates that this missense variant is not expected to disrupt MERTK protein function with a negative predictive value of 80%. In summary, the available evidence is currently insufficient to determine the role of this variant in disease. Therefore, it has been classified as a Variant of Uncertain Significance.

NM_006343.3(MERTK):c.2761G>T (p.Asp921Tyr)

Gene: MERTK (MER proto-oncogene, tyrosine kinase; plus strand). Cytogenetic location: 2q13.
Variant type: single nucleotide variant.
Coding change: c.2761G>T on transcript NM_006343.3 (MANE Select); coding-DNA position 2761, G replaced by T.
Protein change: p.Asp921Tyr; replaces aspartic acid 921 with tyrosine.
Molecular consequence: missense variant.
Genome position (GRCh38, 1-based): chr2:112,028,625, G>T. VCF-style: chr2-112028625-G-T. GRCh37 (hg19) VCF-style: chr2-112786202-G-T.
Other names: short protein forms D921Y.
Identifiers: ClinVar variation 1040728 (VCV001040728.8), dbSNP rs768469451, ClinGen allele CA1831967.